The following is an entry in ClinVar:

ClinVar aggregate classification (germline): Benign. Review status: criteria provided, multiple submitters, no conflicts (2 of 4 stars). 8 submissions from 8 submitters: Benign (6). 2 of the submissions do not count toward it. Last evaluated 2026-02-02.

Conditions:
Microcephalic osteodysplastic primordial dwarfism type II (MOPD2). Also called: Microcephalic osteodysplastic primordial dwarfism with tooth abnormalities; MOPD II; OSTEODYSPLASTIC PRIMORDIAL DWARFISM, TYPE II. Identifiers: Orphanet 2637, MedGen C0432246, MONDO:0008872, OMIM 210720.

Allele frequency attached by ClinVar (database versions not stated): 1000 Genomes Project 30x 0.01796; 1000 Genomes Project 0.01877; TOPMed 0.03596; gnomAD 0.04156 and 0.04295; gnomAD exomes 0.04305; ExAC 0.04345; ESP Exome Variant Server 0.04498.
gnomAD v4.1: 84,904 of 1,613,866 alleles (5.3%); highest among the groups gnomAD compares: Non-Finnish European, 6.1%; 2,622 homozygotes.

Submissions (8):

Labcorp Genetics (formerly Invitae), Labcorp
Classification: Benign. Last evaluated: 2026-02-02. Review status: criteria provided, single submitter. Criteria: Invitae Variant Classification Sherloc (09022015). Collection method: clinical testing. Allele origin: germline.

Blueprint Genetics
Classification: Benign. Last evaluated: 2024-11-28. Review status: criteria provided, single submitter. Criteria: ACMG Guidelines, 2015. Collection method: clinical testing. Allele origin: germline.

Illumina Laboratory Services, Illumina
Classification: Benign for Microcephalic osteodysplastic primordial dwarfism type II. Last evaluated: 2018-01-13. Review status: criteria provided, single submitter. Criteria: ICSL Variant Classification Criteria 13 December 2019. Collection method: clinical testing. Allele origin: germline.
Comment: This variant was observed in the ICSL laboratory as part of a predisposition screen in an ostensibly healthy population. It had not been previously curated by ICSL or reported in the Human Gene Mutation Database (HGMD: prior to June 1st, 2018), and was therefore a candidate for classification through an automated scoring system. Utilizing variant allele frequency, disease prevalence and penetrance estimates, and inheritance mode, an automated score was calculated to assess if this variant is too frequent to cause the disease. Based on the score and internal cut-off values, a variant classified as benign is not then subjected to further curation. The score for this variant resulted in a classification of benign for this disease.

GeneDx
Classification: Benign. Last evaluated: 2014-03-31. Review status: criteria provided, single submitter. Criteria: GeneDx Variant Classification (06012015). Collection method: clinical testing. Allele origin: germline. Affected: yes.
Comment: This variant is considered likely benign or benign based on one or more of the following criteria: it is a conservative change, it occurs at a poorly conserved position in the protein, it is predicted to be benign by multiple in silico algorithms, and/or has population frequency not consistent with disease.

Genetic Services Laboratory, University of Chicago
Classification: Benign. Last evaluated: 2013-02-08. Review status: criteria provided, single submitter. Criteria: ACMG Guidelines, 2007. Collection method: clinical testing. Allele origin: germline. Inheritance: Autosomal recessive inheritance.

Breakthrough Genomics
Classification: Benign. Review status: criteria provided, single submitter. Criteria: ACMG Guidelines, 2015. Collection method: not provided. Allele origin: germline. Inheritance: Autosomal recessive inheritance. Affected: yes.

Clinical Genetics DNA and cytogenetics Diagnostics Lab, Erasmus MC, Erasmus Medical Center
Classification: Benign. Review status: no assertion criteria provided. Collection method: clinical testing. Allele origin: germline. Affected: yes. Study: VKGL Data-share Consensus. Not counted in ClinVar's aggregate classification.

Laboratory of Diagnostic Genome Analysis, Leiden University Medical Center (LUMC)
Classification: Likely benign. Review status: no assertion criteria provided. Collection method: clinical testing. Allele origin: germline. Affected: yes. Study: VKGL Data-share Consensus. Not counted in ClinVar's aggregate classification.

NM_006031.6(PCNT):c.7130C>T (p.Pro2377Leu)

Gene: PCNT (pericentrin; plus strand). Cytogenetic location: 21q22.3.
Variant type: single nucleotide variant.
Coding change: c.7130C>T on transcript NM_006031.6 (MANE Select); coding-DNA position 7130, C replaced by T.
Protein change: p.Pro2377Leu; replaces proline 2377 with leucine.
Molecular consequence: missense variant.
Genome position (GRCh38, 1-based): chr21:46,422,075, C>T. VCF-style: chr21-46422075-C-T. GRCh37 (hg19) VCF-style: chr21-47841989-C-T.
Other names: p.P2377L:CCG>CTG; c.6776C>T, p.Pro2259Leu (NM_001315529.2); short protein forms P2377L, P2259L.
Identifiers: ClinVar variation 138631 (VCV000138631.20), dbSNP rs61735814, ClinGen allele CA173080.